The following is an entry in ClinVar:

NM_000478.6(ALPL):c.935TGG[5] (p.Val315_Ala316insVal)

Gene: ALPL (alkaline phosphatase, biomineralization associated; plus strand). Cytogenetic location: 1p36.12.
Variant type: Microsatellite.
Coding change: c.935TGG[5] on transcript NM_000478.6 (MANE Select); five copies in a row of the 3-base unit TGG starting at c.935; the reference has four copies in a row; one copy, 3 bases duplicated.
Protein change: p.Val315_Ala316insVal.
Molecular consequence: inframe insertion.
Genome position (GRCh38, 1-based): chr1:21,573,746-21,573,748, TGG duplicated; duplicating any 3 consecutive bases within chr1:21,573,737-21,573,748 gives the same sequence; the position shown is the placement nearest the transcript's 3' end. VCF-style (leftmost placement, unchanged base first): chr1-21573736-A-ATGG. GRCh37 (hg19) VCF-style: chr1-21900229-A-ATGG.
Other names: c.770TGG[5], p.Val260_Ala261insVal (NM_001127501.4); c.704TGG[5], p.Val238_Ala239insVal (NM_001177520.3); c.935TGG[5], p.Val315_Ala316insVal (NM_001369803.2, NM_001369804.2, NM_001369805.2).
Identifiers: ClinVar variation 2849357 (VCV002849357.3), dbSNP rs756329108, ClinGen allele CA2739272348.

ClinVar aggregate classification (germline): Uncertain significance (1 of 4 stars; one submission).

Submission:

Labcorp Genetics (formerly Invitae), Labcorp
Classification: Uncertain significance. Last evaluated: 2023-03-25. Review status: criteria provided, single submitter. Criteria: Invitae Variant Classification Sherloc (09022015). Collection method: clinical testing. Allele origin: germline.
Comment: This variant, c.944_946dup, results in the insertion of 1 amino acid(s) of the ALPL protein (p.Val315dup), but otherwise preserves the integrity of the reading frame. This variant is not present in population databases (gnomAD no frequency). This variant has not been reported in the literature in individuals affected with ALPL-related conditions. In summary, the available evidence is currently insufficient to determine the role of this variant in disease. Therefore, it has been classified as a Variant of Uncertain Significance.